The following is an entry in ClinVar:

NM_002519.3(NPAT):c.827A>G (p.Asn276Ser)

Gene: NPAT (nuclear protein, coactivator of histone transcription; minus strand). Cytogenetic location: 11q22.3.
Variant type: single nucleotide variant.
Coding change: c.827A>G on transcript NM_002519.3 (MANE Select); coding-DNA position 827, A replaced by G.
Protein change: p.Asn276Ser; replaces asparagine 276 with serine.
Molecular consequence: missense variant.
Genome position (GRCh38, 1-based): chr11:108,185,311, T>C on the plus strand (A>G on the coding strand, the complement: NPAT is on the minus strand). VCF-style: chr11-108185311-T-C. GRCh37 (hg19) VCF-style: chr11-108056038-T-C.
Other names: c.827A>G, p.Asn276Ser (NM_001321307.1); short protein forms N276S.
Identifiers: ClinVar variation 1762715 (VCV001762715.5), dbSNP rs375938291, ClinGen allele CA6264168.

ClinVar aggregate classification (germline): Uncertain significance. Review status: criteria provided, multiple submitters, no conflicts (2 of 4 stars). 2 submissions from 2 submitters: Uncertain significance (2). Last evaluated 2025-10-07.

Allele frequency attached by ClinVar (database versions not stated): ESP Exome Variant Server 0.00008; TOPMed 0.00002; ExAC 0.00003; gnomAD exomes 0.00001; gnomAD 0.00003.
gnomAD v4.1: 17 of 1,608,618 alleles (0.0011%); highest among the groups gnomAD compares: African/African-American, 0.0067%; no homozygotes.

Submissions (2):

Labcorp Genetics (formerly Invitae), Labcorp
Classification: Uncertain significance. Last evaluated: 2025-10-07. Review status: criteria provided, single submitter. Criteria: Invitae Variant Classification Sherloc (09022015). Collection method: clinical testing. Allele origin: germline.
Comment: This sequence change replaces asparagine, which is neutral and polar, with serine, which is neutral and polar, at codon 276 of the NPAT protein (p.Asn276Ser). This variant is present in population databases (rs375938291, gnomAD 0.01%). This variant has not been reported in the literature in individuals affected with NPAT-related conditions. ClinVar contains an entry for this variant (Variation ID: 1762715). An algorithm developed to predict the effect of missense changes on protein structure and function outputs the following: PolyPhen-2: "Benign". The serine amino acid residue is found in multiple mammalian species, which suggests that this missense change does not adversely affect protein function. In summary, the available evidence is currently insufficient to determine the role of this variant in disease. Therefore, it has been classified as a Variant of Uncertain Significance.

Ambry Genetics
Classification: Uncertain significance. Last evaluated: 2023-02-23. Review status: criteria provided, single submitter. Criteria: Ambry Variant Classification Scheme 2023. Collection method: clinical testing. Allele origin: germline.